The following is an entry in ClinVar:

ClinVar aggregate classification (germline): Uncertain significance (1 of 4 stars; one submission).

Conditions:
MCCC1-related disorder. Also called: MCCC1-related condition.

Submission:

PreventionGenetics, part of Exact Sciences
Classification: Uncertain significance for MCCC1-related condition. Last evaluated: 2025-07-24. Review status: criteria provided, single submitter. Criteria: ACMG Guidelines, 2015. Collection method: clinical testing. Allele origin: germline.
Comment: The MCCC1 c.617C>A variant is predicted to result in the amino acid substitution p.Ala206Asp. To our knowledge, this variant has not been reported in the literature or in a large population database (gnomAD), indicating this variant is rare. An alternate nucleotide change affecting the same amino acid (c.617C>T, p.Ala206Val) has been reported in identical twins with 3-methylcrotonyl-CoA carboxylase deficiency (Lin et al. 2024. PubMed ID: 39188588). At this time, the clinical significance of the c.617C>A (p.Ala206Asp) variant is uncertain due to the absence of conclusive functional and genetic evidence.

NM_020166.5(MCCC1):c.617C>A (p.Ala206Asp)

Gene: MCCC1 (methylcrotonyl-CoA carboxylase subunit 1; minus strand). Cytogenetic location: 3q27.1.
Variant type: single nucleotide variant.
Coding change: c.617C>A on transcript NM_020166.5 (MANE Select); coding-DNA position 617, C replaced by A.
Protein change: p.Ala206Asp; replaces alanine 206 with aspartic acid.
Molecular consequence: missense variant. On other transcripts: non-coding transcript variant (2).
Genome position (GRCh38, 1-based): chr3:183,071,232, G>T on the plus strand (C>A on the coding strand, the complement: MCCC1 is on the minus strand). VCF-style: chr3-183071232-G-T. GRCh37 (hg19) VCF-style: chr3-182789020-G-T.
Other names: c.266C>A, p.Ala89Asp (NM_001293273.2); c.290C>A, p.Ala97Asp (NM_001363880.1); short protein forms A206D, A89D, A97D.
Identifiers: ClinVar variation 5002025 (VCV005002025.1).
Genomic context (GRCh38, chr3:183,071,232, plus strand): 5'-AAGCCTGAATTGGCAAACACAAGCATGCACAATCTTACTTTTCCTCCTCCACCCCGGACG[G>T]CTTTAATCATGACAGGATAGCCAATTCTCCTGGCGTGTTCCTTCAGGCACTGGTCTGATT-3'
Protein context (NP_064551.3, residues 196-216): RRIGYPVMIK[Ala206Asp]VRGGGGKGMR